The following is an entry in ClinVar:

ClinVar aggregate classification (germline): Uncertain significance (1 of 4 stars; one submission).

Submission:

GeneDx
Classification: Uncertain significance. Last evaluated: 2025-01-22. Review status: criteria provided, single submitter. Criteria: GeneDx Variant Classification Process June 2021. Collection method: clinical testing. Allele origin: germline. Affected: yes.
Comment: In silico analysis indicates that this missense variant does not alter protein structure/function; Has not been previously published as pathogenic or benign to our knowledge

NM_001287491.2(TET3):c.577C>T (p.Arg193Cys)

Gene: TET3 (tet methylcytosine dioxygenase 3; plus strand). Cytogenetic location: 2p13.1.
Variant type: single nucleotide variant.
Coding change: c.577C>T on transcript NM_001287491.2 (MANE Select); coding-DNA position 577, C replaced by T.
Protein change: p.Arg193Cys; replaces arginine 193 with cysteine.
Molecular consequence: missense variant.
Genome position (GRCh38, 1-based): chr2:74,046,494, C>T. VCF-style: chr2-74046494-C-T. GRCh37 (hg19) VCF-style: chr2-74273621-C-T.
Other names: c.298C>T, p.Arg100Cys (NM_001366022.1); short protein forms R100C, R193C.
Identifiers: ClinVar variation 4071621 (VCV004071621.1).